The following is an entry in ClinVar:

NM_006182.4(DDR2):c.2225G>A (p.Arg742Gln)

Gene: DDR2 (discoidin domain receptor tyrosine kinase 2; plus strand). Cytogenetic location: 1q23.3.
Variant type: single nucleotide variant.
Coding change: c.2225G>A on transcript NM_006182.4 (MANE Select); coding-DNA position 2225, G replaced by A.
Protein change: p.Arg742Gln; replaces arginine 742 with glutamine.
Molecular consequence: missense variant.
Genome position (GRCh38, 1-based): chr1:162,776,312, G>A. VCF-style: chr1-162776312-G-A. GRCh37 (hg19) VCF-style: chr1-162746102-G-A.
Other names: c.2225G>A, p.Arg742Gln (NM_001014796.3, NM_001354982.2, NM_001354983.2); c.2225G>A (NM_006182.2); short protein forms R742Q.
Identifiers: ClinVar variation 1059969 (VCV001059969.3), dbSNP rs550210469, ClinGen allele CA31815293.

ClinVar aggregate classification (germline): Uncertain significance. Review status: criteria provided, multiple submitters, no conflicts (2 of 4 stars). 2 submissions from 2 submitters: Uncertain significance (2). Last evaluated 2024-10-12.

Conditions:
Inborn genetic diseases. Identifiers: MedGen C0950123, MeSH D030342.

Allele frequency attached by ClinVar (database versions not stated): gnomAD exomes below 0.00001; gnomAD 0.00001 and 0.00002; TOPMed 0.00001; 1000 Genomes Project 0.00020; 1000 Genomes Project 30x 0.00031.
gnomAD v4.1: 11 of 1,613,966 alleles (0.00068%); highest among the groups gnomAD compares: African/African-American, 0.0027%; no homozygotes.

Submissions (2):

Ambry Genetics
Classification: Uncertain significance for Inborn genetic diseases. Last evaluated: 2024-10-12. Review status: criteria provided, single submitter. Criteria: Ambry Variant Classification Scheme 2023. Collection method: clinical testing. Allele origin: germline.

Labcorp Genetics (formerly Invitae), Labcorp
Classification: Uncertain significance. Last evaluated: 2021-08-28. Review status: criteria provided, single submitter. Criteria: Invitae Variant Classification Sherloc (09022015). Collection method: clinical testing. Allele origin: germline.
Comment: This sequence change replaces arginine with glutamine at codon 742 of the DDR2 protein (p.Arg742Gln). The arginine residue is highly conserved and there is a small physicochemical difference between arginine and glutamine. This variant is not present in population databases (ExAC no frequency). This variant has not been reported in the literature in individuals affected with DDR2-related conditions. Algorithms developed to predict the effect of missense changes on protein structure and function (SIFT, PolyPhen-2, Align-GVGD) all suggest that this variant is likely to be disruptive. Algorithms developed to predict the effect of sequence changes on RNA splicing suggest that this variant may create or strengthen a splice site. In summary, the available evidence is currently insufficient to determine the role of this variant in disease. Therefore, it has been classified as a Variant of Uncertain Significance.